The following is an entry in ClinVar:

NM_000186.4(CFH):c.1631C>T (p.Thr544Ile)

Gene: CFH (complement factor H; plus strand). Cytogenetic location: 1q31.3.
Variant type: single nucleotide variant.
Coding change: c.1631C>T on transcript NM_000186.4 (MANE Select); coding-DNA position 1631, C replaced by T.
Protein change: p.Thr544Ile; replaces threonine 544 with isoleucine.
Molecular consequence: missense variant.
Genome position (GRCh38, 1-based): chr1:196,715,704, C>T. VCF-style: chr1-196715704-C-T. GRCh37 (hg19) VCF-style: chr1-196684834-C-T.
Other names: short protein forms T544I.
Identifiers: ClinVar variation 3686493 (VCV003686493.2).
Genomic context (GRCh38, chr1:196,715,704, plus strand): 5'-CATGGTTTAAGCTGAATGACACATTGGACTATGAATGCCATGATGGTTATGAAAGCAATA[C>T]TGGAAGCACCACTGGTTCCATAGTGTGTGGTTACAATGGTTGGTCTGATTTACCCATATG-3'
Protein context (NP_000177.2, residues 534-554): YECHDGYESN[Thr544Ile]GSTTGSIVCG

ClinVar aggregate classification (germline): Uncertain significance (1 of 4 stars; one submission).

gnomAD v4.1: 2 of 1,612,904 alleles (0.00012%); highest among the groups gnomAD compares: Admixed American, 0.0017%; no homozygotes.

Submission:

Labcorp Genetics (formerly Invitae), Labcorp
Classification: Uncertain significance. Last evaluated: 2024-05-03. Review status: criteria provided, single submitter. Criteria: Invitae Variant Classification Sherloc (09022015). Collection method: clinical testing. Allele origin: germline.
Comment: This sequence change replaces threonine, which is neutral and polar, with isoleucine, which is neutral and non-polar, at codon 544 of the CFH protein (p.Thr544Ile). This variant is not present in population databases (gnomAD no frequency). This variant has not been reported in the literature in individuals affected with CFH-related conditions. An algorithm developed to predict the effect of missense changes on protein structure and function (PolyPhen-2) suggests that this variant is likely to be tolerated. In summary, the available evidence is currently insufficient to determine the role of this variant in disease. Therefore, it has been classified as a Variant of Uncertain Significance.